The following is an entry in ClinVar:

ClinVar aggregate classification (germline): Uncertain significance (1 of 4 stars; one submission).

Conditions:
Spastic paraplegia. Identifiers: MedGen C0037772, HP:0001258.

Submission:

Labcorp Genetics (formerly Invitae), Labcorp
Classification: Uncertain significance for Spastic paraplegia. Last evaluated: 2024-12-03. Review status: criteria provided, single submitter. Criteria: Invitae Variant Classification Sherloc (09022015). Collection method: clinical testing. Allele origin: germline.
Comment: This sequence change replaces asparagine, which is neutral and polar, with lysine, which is basic and polar, at codon 126 of the KIF5A protein (p.Asn126Lys). This variant is not present in population databases (gnomAD no frequency). This variant has not been reported in the literature in individuals affected with KIF5A-related conditions. Invitae Evidence Modeling of protein sequence and biophysical properties (such as structural, functional, and spatial information, amino acid conservation, physicochemical variation, residue mobility, and thermodynamic stability) has been performed for this missense variant. However, the output from this modeling did not meet the statistical confidence thresholds required to predict the impact of this variant on KIF5A protein function. In summary, the available evidence is currently insufficient to determine the role of this variant in disease. Therefore, it has been classified as a Variant of Uncertain Significance.

NM_004984.4(KIF5A):c.378C>A (p.Asn126Lys)

Gene: KIF5A (kinesin family member 5A; plus strand). Cytogenetic location: 12q13.3.
Variant type: single nucleotide variant.
Coding change: c.378C>A on transcript NM_004984.4 (MANE Select); coding-DNA position 378, C replaced by A.
Protein change: p.Asn126Lys; replaces asparagine 126 with lysine.
Molecular consequence: missense variant. On other transcripts: intron variant (1).
Genome position (GRCh38, 1-based): chr12:57,564,194, C>A. VCF-style: chr12-57564194-C-A. GRCh37 (hg19) VCF-style: chr12-57957977-C-A.
Other names: c.130-266C>A (NM_001354705.2); short protein forms N126K.
Identifiers: ClinVar variation 3637599 (VCV003637599.2).